The following is an entry in ClinVar:

ClinVar aggregate classification (germline): Uncertain significance (1 of 4 stars; one submission).

gnomAD v4.1: 2 of 1,613,694 alleles (0.00012%); highest among the groups gnomAD compares: Non-Finnish European, 0.00017%; no homozygotes.

Submission:

Labcorp Genetics (formerly Invitae), Labcorp
Classification: Uncertain significance. Last evaluated: 2024-08-27. Review status: criteria provided, single submitter. Criteria: Invitae Variant Classification Sherloc (09022015). Collection method: clinical testing. Allele origin: germline.
Comment: This sequence change replaces arginine, which is basic and polar, with histidine, which is basic and polar, at codon 133 of the AHDC1 protein (p.Arg133His). This variant is present in population databases (no rsID available, gnomAD 0.0009%). This variant has not been reported in the literature in individuals affected with AHDC1-related conditions. An algorithm developed to predict the effect of missense changes on protein structure and function (PolyPhen-2) suggests that this variant is likely to be disruptive. In summary, the available evidence is currently insufficient to determine the role of this variant in disease. Therefore, it has been classified as a Variant of Uncertain Significance.

NM_001371928.1(AHDC1):c.398G>A (p.Arg133His)

Gene: AHDC1 (AT-hook DNA binding motif containing 1; minus strand). Cytogenetic location: 1p36.11.
Variant type: single nucleotide variant.
Coding change: c.398G>A on transcript NM_001371928.1 (MANE Select); coding-DNA position 398, G replaced by A.
Protein change: p.Arg133His; replaces arginine 133 with histidine.
Molecular consequence: missense variant.
Genome position (GRCh38, 1-based): chr1:27,551,718, C>T on the plus strand (G>A on the coding strand, the complement: AHDC1 is on the minus strand). VCF-style: chr1-27551718-C-T. GRCh37 (hg19) VCF-style: chr1-27878229-C-T.
Other names: c.398G>A, p.Arg133His (NM_001029882.3); short protein forms R133H.
Identifiers: ClinVar variation 3695703 (VCV003695703.2).
Genomic context (GRCh38, chr1:27,551,718, plus strand): 5'-CTCAGTCGGAGCCCACCACAGTCCAGGTGTACACCACTGTGCTGCAGGTCCTGGGAGAGG[C>T]GTGTCAGGTCCTTCATGATGTCAATCAGCTGCACCACTGGTCGCAGGTTCACCCGCCCGT-3'
Protein context (NP_001358857.1, residues 123-143): QLIDIMKDLT[Arg133His]LSQDLQHSGV